The following is an entry in ClinVar:

ClinVar aggregate classification (germline): Benign. Review status: criteria provided, multiple submitters, no conflicts (2 of 4 stars). 3 submissions from 3 submitters: Benign (2). 1 of the submissions does not count toward it. Last evaluated 2019-12-31.

Conditions:
CHL1-related disorder. Also called: CHL1-related condition.

Allele frequency attached by ClinVar (database versions not stated): gnomAD exomes 0.00039 and 0.00098; ExAC 0.00120; gnomAD 0.00361 and 0.00377; ESP Exome Variant Server 0.00384; TOPMed 0.00414; 1000 Genomes Project 30x 0.00656; 1000 Genomes Project 0.00659.
gnomAD v4.1: 1,162 of 1,613,978 alleles (0.072%); highest among the groups gnomAD compares: African/African-American, 1.3%; 10 homozygotes.

Submissions (3):

Labcorp Genetics (formerly Invitae), Labcorp
Classification: Benign. Last evaluated: 2019-12-31. Review status: criteria provided, single submitter. Criteria: Invitae Variant Classification Sherloc (09022015). Collection method: clinical testing. Allele origin: germline.

Breakthrough Genomics
Classification: Benign. Review status: criteria provided, single submitter. Criteria: ACMG Guidelines, 2015. Collection method: not provided. Allele origin: germline. Inheritance: Unknown mechanism. Affected: yes.

PreventionGenetics, part of Exact Sciences
Classification: Benign for CHL1-related condition. Last evaluated: 2019-06-04. Review status: no assertion criteria provided. Collection method: clinical testing. Allele origin: germline. Not counted in ClinVar's aggregate classification.
Comment: This variant is classified as benign based on ACMG/AMP sequence variant interpretation guidelines (Richards et al. 2015 PMID: 25741868, with internal and published modifications).

NM_006614.4(CHL1):c.946G>A (p.Val316Ile)

Gene: CHL1 (cell adhesion molecule L1 like; plus strand). Cytogenetic location: 3p26.3.
Variant type: single nucleotide variant.
Coding change: c.946G>A on transcript NM_006614.4 (MANE Select); coding-DNA position 946, G replaced by A.
Protein change: p.Val316Ile; replaces valine 316 with isoleucine.
Molecular consequence: missense variant.
Genome position (GRCh38, 1-based): chr3:349,456, G>A. VCF-style: chr3-349456-G-A. GRCh37 (hg19) VCF-style: chr3-391139-G-A.
Other names: c.898G>A, p.Val300Ile (NM_001253387.2); c.946G>A, p.Val316Ile (NM_001253388.1); short protein forms V316I, V300I.
Identifiers: ClinVar variation 708386 (VCV000708386.7), dbSNP rs61741128, ClinGen allele CA2224537.